The following is an entry in ClinVar:

ClinVar aggregate classification (germline): Likely benign. Review status: criteria provided, single submitter (1 of 4 stars). 2 submissions from 2 submitters: Likely benign (1). 1 of the submissions does not count toward it. Last evaluated 2024-03-07.

Conditions:
RPGRIP1L-related disorder. Also called: RPGRIP1L-related condition; RPGRIP1L-related disorders. Identifiers: MedGen CN239416.
Meckel-Gruber syndrome. Also called: Dysencephalia splachnocystica; GRUBER SYNDROME; DYSENCEPHALIA SPLANCHNOCYSTICA. Identifiers: Orphanet 564, MedGen C0265215, MONDO:0018921.
Joubert syndrome. Also called: JOUBERT-BOLTSHAUSER SYNDROME; Familial aplasia of the vermis. Identifiers: Orphanet 475, MedGen C5979921, MONDO:0018772.

Allele frequency attached by ClinVar (database versions not stated): gnomAD 0.00001.
gnomAD v4.1: 3 of 1,613,608 alleles (0.00019%); highest among the groups gnomAD compares: African/African-American, 0.004%; no homozygotes.

Submissions (2):

Labcorp Genetics (formerly Invitae), Labcorp
Classification: Likely benign for Joubert syndrome; Meckel-Gruber syndrome. Last evaluated: 2024-03-07. Review status: criteria provided, single submitter. Criteria: Invitae Variant Classification Sherloc (09022015). Collection method: clinical testing. Allele origin: germline.

PreventionGenetics, part of Exact Sciences
Classification: Likely benign for RPGRIP1L-related condition. Last evaluated: 2022-09-07. Review status: no assertion criteria provided. Collection method: clinical testing. Allele origin: germline. Not counted in ClinVar's aggregate classification.
Comment: This variant is classified as likely benign based on ACMG/AMP sequence variant interpretation guidelines (Richards et al. 2015 PMID: 25741868, with internal and published modifications).

NM_015272.5(RPGRIP1L):c.672G>A (p.Glu224=)

Gene: RPGRIP1L (RPGRIP1 like; minus strand). Cytogenetic location: 16q12.2.
Variant type: single nucleotide variant.
Coding change: c.672G>A on transcript NM_015272.5 (MANE Select); coding-DNA position 672, G replaced by A.
Protein change: p.Glu224=; no amino-acid change (glutamic acid 224 retained).
Molecular consequence: synonymous variant.
Genome position (GRCh38, 1-based): chr16:53,686,537, C>T on the plus strand (G>A on the coding strand, the complement: RPGRIP1L is on the minus strand). VCF-style: chr16-53686537-C-T. GRCh37 (hg19) VCF-style: chr16-53720449-C-T.
Other names: c.672G>A, p.Glu224= (NM_001127897.4, NM_001308334.3, NM_001330538.2); c.672G>A (NM_015272.4).
Identifiers: ClinVar variation 1603355 (VCV001603355.9), dbSNP rs1253337508, ClinGen allele CA495539054.